The following is an entry in ClinVar:

ClinVar aggregate classification (germline): Uncertain significance. Review status: criteria provided, multiple submitters, no conflicts (2 of 4 stars). 6 submissions from 6 submitters: Uncertain significance (5). 1 of the submissions does not count toward it. Last evaluated 2025-12-22.

Conditions:
Familial hemiplegic migraine. Identifiers: MedGen C0338484, MONDO:0000700.
ATP1A2-related disorder. Also called: ATP1A2-related condition; ATP1A2-RELATED DISORDERS.
Inborn genetic diseases. Identifiers: MedGen C0950123, MeSH D030342.
Migraine, familial hemiplegic, 2. Identifiers: Orphanet 569, MedGen C1865322, MONDO:0011232, OMIM 602481.

Allele frequency attached by ClinVar (database versions not stated): gnomAD exomes 0.00001; ExAC 0.00002; gnomAD 0.00002; TOPMed 0.00002.
gnomAD v4.1: 23 of 1,613,672 alleles (0.0014%); highest among the groups gnomAD compares: Non-Finnish European, 0.0019%; no homozygotes.

Submissions (6):

Labcorp Genetics (formerly Invitae), Labcorp
Classification: Uncertain significance for Familial hemiplegic migraine. Last evaluated: 2025-12-22. Review status: criteria provided, single submitter. Criteria: Invitae Variant Classification Sherloc (09022015). Collection method: clinical testing. Allele origin: germline.
Comment: This sequence change replaces asparagine, which is neutral and polar, with aspartic acid, which is acidic and polar, at codon 246 of the ATP1A2 protein (p.Asn246Asp). This variant is present in population databases (rs764917849, gnomAD 0.007%). This variant has not been reported in the literature in individuals affected with ATP1A2-related conditions. ClinVar contains an entry for this variant (Variation ID: 453128). Invitae Evidence Modeling of protein sequence and biophysical properties (such as structural, functional, and spatial information, amino acid conservation, physicochemical variation, residue mobility, and thermodynamic stability) has been performed for this missense variant. However, the output from this modeling did not meet the statistical confidence thresholds required to predict the impact of this variant on ATP1A2 protein function. In summary, the available evidence is currently insufficient to determine the role of this variant in disease. Therefore, it has been classified as a Variant of Uncertain Significance.

Genomic Medicine Center of Excellence, King Faisal Specialist Hospital and Research Centre
Classification: Uncertain significance for Migraine, familial hemiplegic, 2. Last evaluated: 2024-12-19. Review status: criteria provided, single submitter. Criteria: ACMG Guidelines, 2015. Collection method: clinical testing. Allele origin: germline.

Ambry Genetics
Classification: Uncertain significance for Inborn genetic diseases. Last evaluated: 2021-04-28. Review status: criteria provided, single submitter. Criteria: Ambry Variant Classification Scheme 2023. Collection method: clinical testing. Allele origin: germline.

CENTOGENE GmbH and LLC - Guiding Precision Medicine
Classification: Uncertain significance for Migraine, familial hemiplegic, 2. Last evaluated: 2020-08-27. Review status: criteria provided, single submitter. Criteria: ACMG Guidelines, 2015. Collection method: clinical testing. Allele origin: germline. Affected: yes.

GeneDx
Classification: Uncertain significance. Last evaluated: 2017-10-30. Review status: criteria provided, single submitter. Criteria: GeneDx Variant Classification (06012015). Collection method: clinical testing. Allele origin: germline. Affected: yes.
Comment: The N246D variant has not been published as a pathogenic variant, nor has it been reported as a benign variant to our knowledge. The N246D variant is observed in 1/15288 (0.007%) alleles from individuals of African background (Lek et al., 2016). The N246D variant is a semi-conservative amino acid substitution, which may impact secondary protein structure as these residues differ in some properties. This substitution occurs at a position that is conserved across species; however, Asparagine is observed at this position in evolution. In silico analysis predicts this variant is probably damaging to the protein structure/function. Therefore, based on the currently available information, it is unclear whether this variant is a pathogenic variant or a rare benign variant.

PreventionGenetics, part of Exact Sciences
Classification: Uncertain significance for ATP1A2-related condition. Last evaluated: 2023-12-11. Review status: no assertion criteria provided. Collection method: clinical testing. Allele origin: germline. Not counted in ClinVar's aggregate classification.
Comment: The ATP1A2 c.736A>G variant is predicted to result in the amino acid substitution p.Asn246Asp. To our knowledge, this variant has not been reported in the literature. This variant is reported in 0.0062% of alleles in individuals of African descent in gnomAD. At this time, the clinical significance of this variant is uncertain due to the absence of conclusive functional and genetic evidence.

NM_000702.4(ATP1A2):c.736A>G (p.Asn246Asp)

Genes: ATP1A2 (ATPase Na+/K+ transporting subunit alpha 2; plus strand), LOC126805890 (CDK7 strongly-dependent group 2 enhancer GRCh37_chr1:160093987-160095186; plus strand). Cytogenetic location: 1q23.2.
Variant type: single nucleotide variant.
Coding change: c.736A>G on transcript NM_000702.4 (MANE Select); coding-DNA position 736, A replaced by G.
Protein change: p.Asn246Asp; replaces asparagine 246 with aspartic acid.
Molecular consequence: missense variant.
Genome position (GRCh38, 1-based): chr1:160,125,241, A>G. VCF-style: chr1-160125241-A-G. GRCh37 (hg19) VCF-style: chr1-160095031-A-G.
Other names: short protein forms N246D.
Identifiers: ClinVar variation 453128 (VCV000453128.19), dbSNP rs764917849, ClinGen allele CA1194252.